The following is an entry in ClinVar:

NM_001042750.2(STAG2):c.145G>T (p.Gly49Cys)

Gene: STAG2 (STAG2 cohesin complex component; plus strand). Cytogenetic location: Xq25.
Variant type: single nucleotide variant.
Coding change: c.145G>T on transcript NM_001042750.2 (MANE Select); coding-DNA position 145, G replaced by T.
Protein change: p.Gly49Cys; replaces glycine 49 with cysteine.
Molecular consequence: missense variant.
Genome position (GRCh38, 1-based): chrX:124,030,982, G>T. VCF-style: chrX-124030982-G-T. GRCh37 (hg19) VCF-style: chrX-123164832-G-T.
Other names: c.145G>T, p.Gly49Cys (NM_001282418.2, NM_001375366.1, NM_001375367.1 and 13 more transcripts); short protein forms G49C.
Identifiers: ClinVar variation 2064270 (VCV002064270.4), dbSNP rs1053797512, ClinGen allele CA414272198.
Genomic context (GRCh38, chrX:124,030,982, plus strand): 5'-ATAGTGATATAACTTAACCACCTCGTATTTTTTATGCAGACTTGTAAAAAAGGCAAAAAG[G>T]GCCCAGCAGAAAAGGGCAAAGGTGGAAATGGAGGAGGAAAACCTCCTTCTGGTCCAAACC-3'
Protein context (NP_001036215.1, residues 39-59): KGKTCKKGKK[Gly49Cys]PAEKGKGGNG

ClinVar aggregate classification (germline): Uncertain significance (1 of 4 stars; one submission).

Submission:

Labcorp Genetics (formerly Invitae), Labcorp
Classification: Uncertain significance. Last evaluated: 2022-01-07. Review status: criteria provided, single submitter. Criteria: Invitae Variant Classification Sherloc (09022015). Collection method: clinical testing. Allele origin: germline.
Comment: In summary, the available evidence is currently insufficient to determine the role of this variant in disease. Therefore, it has been classified as a Variant of Uncertain Significance. Algorithms developed to predict the effect of missense changes on protein structure and function (SIFT, PolyPhen-2, Align-GVGD) all suggest that this variant is likely to be tolerated. This variant has not been reported in the literature in individuals affected with STAG2-related conditions. This variant is not present in population databases (gnomAD no frequency). This sequence change replaces glycine, which is neutral and non-polar, with cysteine, which is neutral and slightly polar, at codon 49 of the STAG2 protein (p.Gly49Cys).